The following is an entry in ClinVar:

ClinVar aggregate classification (germline): Uncertain significance (1 of 4 stars; one submission).

Conditions:
Intellectual developmental disorder, autosomal dominant 68 (MRD68). Also called: MENTAL RETARDATION, AUTOSOMAL DOMINANT 68. Identifiers: MedGen C5677008, MONDO:0030969, OMIM 619934.

gnomAD v4.1: 1 of 1,609,416 alleles (0.000062%); highest among the groups gnomAD compares: South Asian, 0.0011%; no homozygotes.

Submission:

Neuberg Centre For Genomic Medicine, NCGM
Classification: Uncertain significance for Intellectual developmental disorder, autosomal dominant 68. Last evaluated: 2024-02-01. Review status: criteria provided, single submitter. Criteria: ACMG Guidelines, 2015. Collection method: clinical testing. Allele origin: germline. Inheritance: Autosomal dominant inheritance.
Comment: The above variant in KMT2B gene has not been reported previously as a pathogenic variant nor as a benign variant, to our knowledge

NM_014727.3(KMT2B):c.6365G>A (p.Gly2122Glu)

Gene: KMT2B (lysine methyltransferase 2B; plus strand). Cytogenetic location: 19q13.12.
Variant type: single nucleotide variant.
Coding change: c.6365G>A on transcript NM_014727.3 (MANE Select); coding-DNA position 6365, G replaced by A.
Protein change: p.Gly2122Glu; replaces glycine 2122 with glutamic acid.
Molecular consequence: missense variant.
Genome position (GRCh38, 1-based): chr19:35,732,914, G>A. VCF-style: chr19-35732914-G-A. GRCh37 (hg19) VCF-style: chr19-36223815-G-A.
Other names: short protein forms G2122E.
Identifiers: ClinVar variation 3897965 (VCV003897965.2).